The following is an entry in ClinVar:

NM_019098.5(CNGB3):c.629T>C (p.Ile210Thr)

Gene: CNGB3 (cyclic nucleotide gated channel subunit beta 3; minus strand). Cytogenetic location: 8q21.3.
Variant type: single nucleotide variant.
Coding change: c.629T>C on transcript NM_019098.5 (MANE Select); coding-DNA position 629, T replaced by C.
Protein change: p.Ile210Thr; replaces isoleucine 210 with threonine.
Molecular consequence: missense variant.
Genome position (GRCh38, 1-based): chr8:86,668,033, A>G on the plus strand (T>C on the coding strand, the complement: CNGB3 is on the minus strand). VCF-style: chr8-86668033-A-G. GRCh37 (hg19) VCF-style: chr8-87680261-A-G.
Other names: short protein forms I210T.
Identifiers: ClinVar variation 1947925 (VCV001947925.5), dbSNP rs1823777522, ClinGen allele CA371449721.
Genomic context (GRCh38, chr8:86,668,033, plus strand): 5'-GTGATAGCCAGCCCTCCCACTATGATAATTCACCCTTTGATAATACCTGTGTATGAATCT[A>G]TGCTGTTTGGAAGTTTAATTCGCTTTAAGTACTCTGTTAAAGGCATCTTTTTGACTTTGA-3'
Protein context (NP_061971.3, residues 200-220): YLKRIKLPNS[Ile210Thr]DSYTDRLYLL

ClinVar aggregate classification (germline): Uncertain significance (1 of 4 stars; one submission).

Allele frequency attached by ClinVar (database versions not stated): gnomAD exomes below 0.00001.
gnomAD v4.1: 1 of 1,614,142 alleles (0.000062%); highest among the groups gnomAD compares: Middle Eastern, 0.016%; no homozygotes.

Submission:

Labcorp Genetics (formerly Invitae), Labcorp
Classification: Uncertain significance. Last evaluated: 2022-03-12. Review status: criteria provided, single submitter. Criteria: Invitae Variant Classification Sherloc (09022015). Collection method: clinical testing. Allele origin: germline.
Comment: In summary, the available evidence is currently insufficient to determine the role of this variant in disease. Therefore, it has been classified as a Variant of Uncertain Significance. Algorithms developed to predict the effect of sequence changes on RNA splicing suggest that this variant may create or strengthen a splice site. Advanced modeling of protein sequence and biophysical properties (such as structural, functional, and spatial information, amino acid conservation, physicochemical variation, residue mobility, and thermodynamic stability) performed at Invitae indicates that this missense variant is expected to disrupt CNGB3 protein function. This variant has not been reported in the literature in individuals affected with CNGB3-related conditions. This variant is not present in population databases (gnomAD no frequency). This sequence change replaces isoleucine, which is neutral and non-polar, with threonine, which is neutral and polar, at codon 210 of the CNGB3 protein (p.Ile210Thr).